The following is an entry in ClinVar:

ClinVar aggregate classification (germline): Likely benign. Review status: criteria provided, multiple submitters, no conflicts (2 of 4 stars). 5 submissions from 5 submitters: Likely benign (4). 1 of the submissions does not count toward it. Last evaluated 2024-11-26.

Conditions:
TDP2-related disorder. Also called: TDP2-related condition.

Allele frequency attached by ClinVar (database versions not stated): 1000 Genomes Project 0.00140; 1000 Genomes Project 30x 0.00141; TOPMed 0.00164; gnomAD 0.00166 and 0.00167; ESP Exome Variant Server 0.00185; gnomAD exomes 0.00224 and 0.00262; ExAC 0.00266.
gnomAD v4.1: 4,024 of 1,614,180 alleles (0.25%); highest among the groups gnomAD compares: Non-Finnish European, 0.32%; 9 homozygotes.

Submissions (5):

Blueprint Genetics
Classification: Likely benign. Last evaluated: 2024-11-26. Review status: criteria provided, single submitter. Criteria: ACMG Guidelines, 2015. Collection method: clinical testing. Allele origin: germline.

CeGaT Center for Human Genetics Tuebingen
Classification: Likely benign. Last evaluated: 2024-02-01. Review status: criteria provided, single submitter. Criteria: CeGaT Center For Human Genetics Tuebingen Variant Classification Criteria Version 2. Collection method: clinical testing. Allele origin: germline. Affected: yes. Observed: 2 variant alleles.
Comment: TDP2: BP4, BS2

Labcorp Genetics (formerly Invitae), Labcorp
Classification: Likely benign. Last evaluated: 2019-12-31. Review status: criteria provided, single submitter. Criteria: Invitae Variant Classification Sherloc (09022015). Collection method: clinical testing. Allele origin: germline.

Breakthrough Genomics
Classification: Likely benign. Review status: criteria provided, single submitter. Criteria: ACMG Guidelines, 2015. Collection method: not provided. Allele origin: germline. Inheritance: Autosomal recessive inheritance. Affected: yes.

PreventionGenetics, part of Exact Sciences
Classification: Likely benign for TDP2-related condition. Last evaluated: 2022-07-19. Review status: no assertion criteria provided. Collection method: clinical testing. Allele origin: germline. Not counted in ClinVar's aggregate classification.
Comment: This variant is classified as likely benign based on ACMG/AMP sequence variant interpretation guidelines (Richards et al. 2015 PMID: 25741868, with internal and published modifications).

NM_016614.3(TDP2):c.175A>G (p.Asn59Asp)

Gene: TDP2 (tyrosyl-DNA phosphodiesterase 2; minus strand). Cytogenetic location: 6p22.3.
Variant type: single nucleotide variant.
Coding change: c.175A>G on transcript NM_016614.3 (MANE Select); coding-DNA position 175, A replaced by G.
Protein change: p.Asn59Asp; replaces asparagine 59 with aspartic acid.
Molecular consequence: missense variant.
Genome position (GRCh38, 1-based): chr6:24,666,602, T>C on the plus strand (A>G on the coding strand, the complement: TDP2 is on the minus strand). VCF-style: chr6-24666602-T-C. GRCh37 (hg19) VCF-style: chr6-24666830-T-C.
Other names: short protein forms N59D.
Identifiers: ClinVar variation 709650 (VCV000709650.30), dbSNP rs35744230, ClinGen allele CA3658250.